The following is an entry in ClinVar:

ClinVar aggregate classification (germline): Likely pathogenic (1 of 4 stars; one submission).

Allele frequency attached by ClinVar (database versions not stated): gnomAD exomes below 0.00001.
gnomAD v4.1: 1 of 1,613,656 alleles (0.000062%); highest among the groups gnomAD compares: Non-Finnish European, 0.000085%; no homozygotes.

Submission:

Labcorp Genetics (formerly Invitae), Labcorp
Classification: Likely pathogenic. Last evaluated: 2022-07-19. Review status: criteria provided, single submitter. Criteria: Invitae Variant Classification Sherloc (09022015). Collection method: clinical testing. Allele origin: germline.
Comment: In summary, the currently available evidence indicates that the variant is pathogenic, but additional data are needed to prove that conclusively. Therefore, this variant has been classified as Likely Pathogenic. This variant disrupts the p.Cys2128 amino acid residue in USH2A. Other variant(s) that disrupt this residue have been observed in individuals with USH2A-related conditions (PMID: 32675063, 33089500), which suggests that this may be a clinically significant amino acid residue. Algorithms developed to predict the effect of missense changes on protein structure and function are either unavailable or do not agree on the potential impact of this missense change (SIFT: "Deleterious"; PolyPhen-2: "Possibly Damaging"; Align-GVGD: "Class C0"). ClinVar contains an entry for this variant (Variation ID: 1486278). This missense change has been observed in individual(s) with Usher syndrome (Invitae). This variant is not present in population databases (gnomAD no frequency). This sequence change replaces cysteine, which is neutral and slightly polar, with serine, which is neutral and polar, at codon 2128 of the USH2A protein (p.Cys2128Ser).

Literature cited by the submitters: PubMed 32675063; PubMed 33089500.

NM_206933.4(USH2A):c.6383G>C (p.Cys2128Ser)

Gene: USH2A (usherin; minus strand). Cytogenetic location: 1q41.
Variant type: single nucleotide variant.
Coding change: c.6383G>C on transcript NM_206933.4 (MANE Select); coding-DNA position 6383, G replaced by C.
Protein change: p.Cys2128Ser; replaces cysteine 2128 with serine.
Molecular consequence: missense variant.
Genome position (GRCh38, 1-based): chr1:216,000,505, C>G on the plus strand (G>C on the coding strand, the complement: USH2A is on the minus strand). VCF-style: chr1-216000505-C-G. GRCh37 (hg19) VCF-style: chr1-216173847-C-G.
Other names: short protein forms C2128S.
Identifiers: ClinVar variation 1486278 (VCV001486278.6), dbSNP rs2102483271, ClinGen allele CA344861767.
Genomic context (GRCh38, chr1:216,000,505, plus strand): 5'-GAATCCACGTGTTCTGGTGGCAGCTGTGCTGTGTACAGTAGGACCCAGGAACTGTTTGTA[C>G]AGCCCACATGTGTGCATGCACTTAGTAGAAACTGGTGGGGTGTAAATACTGCTAAATCTA-3'
Protein context (NP_996816.3, residues 2118-2138): FLLSACTHVG[Cys2128Ser]TNSSWVLLYT